The following is an entry in ClinVar:

NM_000038.6(APC):c.3507G>T (p.Glu1169Asp)

Gene: APC (APC regulator of Wnt signaling pathway; plus strand). Cytogenetic location: 5q22.2.
Variant type: single nucleotide variant.
Coding change: c.3507G>T on transcript NM_000038.6 (MANE Select); coding-DNA position 3507, G replaced by T.
Protein change: p.Glu1169Asp; replaces glutamic acid 1169 with aspartic acid.
Molecular consequence: missense variant.
Genome position (GRCh38, 1-based): chr5:112,839,101, G>T. VCF-style: chr5-112839101-G-T. GRCh37 (hg19) VCF-style: chr5-112174798-G-T.
Other names: c.3507G>T, p.Glu1169Asp (NM_001127510.3, NM_001354895.2, NM_001407450.1); c.3453G>T, p.Glu1151Asp (NM_001127511.3); c.3561G>T, p.Glu1187Asp (NM_001354896.2, NM_001407447.1, NM_001407448.1 and 1 more transcripts); c.3537G>T, p.Glu1179Asp (NM_001354897.2); c.3432G>T, p.Glu1144Asp (NM_001354898.2); c.3423G>T, p.Glu1141Asp (NM_001354899.2); c.3384G>T, p.Glu1128Asp (NM_001354900.2); c.3330G>T, p.Glu1110Asp (NM_001354901.2, NM_001407453.1); and 11 more; short protein forms E1068D, E886D, E1086D, E1110D, E1128D, E1141D, E1144D, E1151D.
Identifiers: ClinVar variation 1732126 (VCV001732126.2), dbSNP rs1561585269, ClinGen allele CA16029037.

ClinVar aggregate classification (germline): Uncertain significance (1 of 4 stars; one submission).

Conditions:
Hereditary cancer-predisposing syndrome. Also called: Neoplastic Syndromes, Hereditary; Tumor predisposition; Hereditary Cancer Syndrome; Hereditary neoplastic syndrome. Identifiers: Orphanet 140162, MedGen C0027672, MeSH D009386, MONDO:0015356.

Submission:

Ambry Genetics
Classification: Uncertain significance for Hereditary cancer-predisposing syndrome. Last evaluated: 2021-12-30. Review status: criteria provided, single submitter. Criteria: Ambry Variant Classification Scheme 2023. Collection method: clinical testing. Allele origin: germline.
Comment: The p.E1169D variant (also known as c.3507G>T), located in coding exon 15 of the APC gene, results from a G to T substitution at nucleotide position 3507. The glutamic acid at codon 1169 is replaced by aspartic acid, an amino acid with highly similar properties. This amino acid position is highly conserved in available vertebrate species. In addition, in silico predictors for this gene do not accurately predict pathogenicity. Since supporting evidence is limited at this time, the clinical significance of this alteration remains unclear.